The following is an entry in ClinVar:

ClinVar aggregate classification (germline): Likely pathogenic (1 of 4 stars; one submission).

Conditions:
Intellectual developmental disorder, autosomal dominant 50, with behavioral abnormalities. Also called: Intellectual disability, autosomal dominant 50; MENTAL RETARDATION, AUTOSOMAL DOMINANT 50. Identifiers: MedGen C4540470, MONDO:0030916, OMIM 617787.

Submission:

3billion
Classification: Likely pathogenic for Intellectual developmental disorder, autosomal dominant 50, with behavioral abnormalities. Last evaluated: 2022-09-01. Review status: criteria provided, single submitter. Criteria: ACMG Guidelines, 2015. Collection method: clinical testing. Allele origin: germline. Affected: yes. Observed: 1 heterozygote.
Comment: The variant is not observed in the gnomAD v2.1.1 dataset. Frameshift variant is predicted to result in a loss or disruption of normal protein function through nonsense-mediated decay (NMD) or protein truncation. Multiple pathogenic variants are reported downstream of the variant. Therefore, this variant is classified as Likely pathogenic according to the recommendation of ACMG/AMP guideline.

NM_057175.5(NAA15):c.839_840del (p.Ile279_Tyr280insTer)

Gene: NAA15 (N-alpha-acetyltransferase 15, NatA auxiliary subunit; plus strand). Cytogenetic location: 4q31.1.
Variant type: Deletion.
Coding change: c.839_840del on transcript NM_057175.5 (MANE Select); coding-DNA positions 839 to 840, 2 bases deleted (AT; older notation c.839_840delAT).
Protein change: p.Ile279_Tyr280insTer.
Molecular consequence: nonsense. On other transcripts: frameshift variant (2).
Genome position (GRCh38, 1-based): chr4:139,351,218-139,351,219, AT deleted; deleting any 2 consecutive bases within chr4:139,351,217-139,351,219 gives the same sequence; the c. name uses the placement nearest the transcript's 3' end. VCF-style (leftmost placement, unchanged base first): chr4-139351216-TTA-T. GRCh37 (hg19) VCF-style: chr4-140272370-TTA-T.
Other names: c.839_840delAT, p.Tyr280Terfs (NM_001410842.1, NM_025085.2).
Identifiers: ClinVar variation 1705658 (VCV001705658.1), dbSNP rs2530396115, ClinGen allele CA2580071549.